The following is an entry in ClinVar:

ClinVar aggregate classification (germline): Uncertain significance (1 of 4 stars; one submission).

Submission:

GeneDx
Classification: Uncertain significance. Last evaluated: 2019-05-09. Review status: criteria provided, single submitter. Criteria: GeneDx Variant Classification Process June 2021. Collection method: clinical testing. Allele origin: germline. Affected: yes.
Comment: Not observed in large population cohorts (Lek et al., 2016); In silico analysis, which includes protein predictors and evolutionary conservation, supports a deleterious effect; Has not been previously published as pathogenic or benign to our knowledge

NM_000350.3(ABCA4):c.1546T>C (p.Tyr516His)

Gene: ABCA4 (ATP binding cassette subfamily A member 4; minus strand). Cytogenetic location: 1p22.1.
Variant type: single nucleotide variant.
Coding change: c.1546T>C on transcript NM_000350.3 (MANE Select); coding-DNA position 1546, T replaced by C.
Protein change: p.Tyr516His; replaces tyrosine 516 with histidine.
Molecular consequence: missense variant.
Genome position (GRCh38, 1-based): chr1:94,077,698, A>G on the plus strand (T>C on the coding strand, the complement: ABCA4 is on the minus strand). VCF-style: chr1-94077698-A-G. GRCh37 (hg19) VCF-style: chr1-94543254-A-G.
Other names: c.1546T>C, p.Tyr516His (NM_001425324.1); short protein forms Y516H.
Identifiers: ClinVar variation 1302599 (VCV001302599.2), dbSNP rs2101100877, ClinGen allele CA341281788.